The following is an entry in ClinVar:

ClinVar aggregate classification (germline): Likely benign. Review status: criteria provided, multiple submitters, no conflicts (2 of 4 stars). 7 submissions from 7 submitters: Likely benign (7). Last evaluated 2026-02-01.

Conditions:
RYR1-related disorder. Also called: RYR1-related condition; RYR1-related disorders. Identifiers: MedGen CN239331.
Malignant hyperthermia, susceptibility to, 1 (MHS1). Also called: Malignant hyperthermia suceptibility 1; Anesthesia related hyperthermia; Malignant hyperpyrexia; Fulminating hyperpyrexia; Pharmacogenic myopathy; RYR1-Related Malignant Hyperthermia Susceptibility. Identifiers: Orphanet 423, MedGen C2930980, MONDO:0007783, OMIM 145600.

Allele frequency attached by ClinVar (database versions not stated): ExAC 0.00012; gnomAD exomes 0.00012; gnomAD 0.00013 and 0.00014; TOPMed 0.00019; ESP Exome Variant Server 0.00031.
gnomAD v4.1: 85 of 1,614,006 alleles (0.0053%); highest among the groups gnomAD compares: African/African-American, 0.049%; 1 homozygote.

Submissions (7):

CeGaT Center for Human Genetics Tuebingen
Classification: Likely benign. Last evaluated: 2026-02-01. Review status: criteria provided, single submitter. Criteria: CeGaT Center For Human Genetics Tuebingen Variant Classification Criteria Version 2. Collection method: clinical testing. Allele origin: germline. Affected: yes. Observed: 1 variant allele.
Comment: RYR1: BP4, BP7

Labcorp Genetics (formerly Invitae), Labcorp
Classification: Likely benign for RYR1-related disorder. Last evaluated: 2026-01-28. Review status: criteria provided, single submitter. Criteria: Invitae Variant Classification Sherloc (09022015). Collection method: clinical testing. Allele origin: germline.

Women's Health and Genetics/Laboratory Corporation of America, LabCorp
Classification: Likely benign. Last evaluated: 2025-03-10. Review status: criteria provided, single submitter. Criteria: LabCorp Variant Classification Summary - May 2015. Collection method: clinical testing. Allele origin: germline.

Blueprint Genetics
Classification: Likely benign. Last evaluated: 2024-03-07. Review status: criteria provided, single submitter. Criteria: ACMG Guidelines, 2015. Collection method: clinical testing. Allele origin: germline.

Color Diagnostics, LLC DBA Color Health
Classification: Likely benign for Malignant hyperthermia, susceptibility to, 1. Last evaluated: 2022-11-06. Review status: criteria provided, single submitter. Criteria: ACMG Guidelines, 2015. Collection method: clinical testing. Allele origin: germline.

GeneDx
Classification: Likely benign. Last evaluated: 2018-10-04. Review status: criteria provided, single submitter. Criteria: GeneDx Variant Classification Process June 2021. Collection method: clinical testing. Allele origin: germline. Affected: yes.

Breakthrough Genomics
Classification: Likely benign. Review status: criteria provided, single submitter. Criteria: ACMG Guidelines, 2015. Collection method: not provided. Allele origin: germline. Inheritance: Autosomal recessive inheritance. Affected: yes.

NM_000540.3(RYR1):c.8289C>T (p.His2763=)

Gene: RYR1 (ryanodine receptor 1; plus strand). Cytogenetic location: 19q13.2.
Variant type: single nucleotide variant.
Coding change: c.8289C>T on transcript NM_000540.3 (MANE Select); coding-DNA position 8289, C replaced by T.
Protein change: p.His2763=; no amino-acid change (histidine 2763 retained).
Molecular consequence: synonymous variant.
Genome position (GRCh38, 1-based): chr19:38,505,060, C>T. VCF-style: chr19-38505060-C-T. GRCh37 (hg19) VCF-style: chr19-38995700-C-T.
Other names: c.8289C>T, p.His2763= (NM_001042723.2).
Identifiers: ClinVar variation 384613 (VCV000384613.21), dbSNP rs145567931, ClinGen allele CA071757.